The following is an entry in ClinVar:

ClinVar aggregate classification (germline): Likely benign (1 of 4 stars; one submission).

gnomAD v4.1: 3,446 of 1,528,366 alleles (0.23%); highest among the groups gnomAD compares: Middle Eastern, 0.39%; 25 homozygotes.

Submission:

CeGaT Center for Human Genetics Tuebingen
Classification: Likely benign. Last evaluated: 2026-04-01. Review status: criteria provided, single submitter. Criteria: CeGaT Center For Human Genetics Tuebingen Variant Classification Criteria Version 2. Collection method: clinical testing. Allele origin: germline. Affected: yes. Observed: 3 variant alleles.
Comment: MUC4: BP4, BS2

NM_018406.7(MUC4):c.7439C>A (p.Pro2480His)

Gene: MUC4 (mucin 4, cell surface associated). Cytogenetic location: 3q29.
Variant type: single nucleotide variant.
Coding change: c.7439C>A on transcript NM_018406.7 (MANE Select); coding-DNA position 7439, C replaced by A.
Protein change: p.Pro2480His; replaces proline 2480 with histidine.
Molecular consequence: missense variant. On other transcripts: intron variant (2).
Genome position (GRCh38, 1-based): chr3:195,784,141, G>T on the plus strand (C>A on the coding strand, the complement: MUC4 is on the minus strand). VCF-style: chr3-195784141-G-T. GRCh37 (hg19) VCF-style: chr3-195511012-G-T.
Other names: c.83-9836C>A (NM_138297.5); c.83-5686C>A (NM_004532.6); short protein forms P2480H.
Identifiers: ClinVar variation 3388219 (VCV003388219.14).